The following is an entry in ClinVar:

NM_006231.4(POLE):c.6657+7C>T

Gene: POLE (DNA polymerase epsilon, catalytic subunit; minus strand). Cytogenetic location: 12q24.33.
Variant type: single nucleotide variant.
Coding change: c.6657+7C>T on transcript NM_006231.4 (MANE Select); 7 bases into the intron after coding-DNA position 6657, C replaced by T.
Molecular consequence: intron variant.
Genome position (GRCh38, 1-based): chr12:132,625,638, G>A on the plus strand (C>T on the coding strand, the complement: POLE is on the minus strand). VCF-style: chr12-132625638-G-A. GRCh37 (hg19) VCF-style: chr12-133202224-G-A.
Identifiers: ClinVar variation 473807 (VCV000473807.13), dbSNP rs746459362, ClinGen allele CA6892113.

ClinVar aggregate classification (germline): Likely benign. Review status: criteria provided, single submitter (1 of 4 stars). 2 submissions from 2 submitters: Likely benign (1). 1 of the submissions does not count toward it. Last evaluated 2025-12-10.

Conditions:
POLE-related disorder. Also called: POLE-related condition; POLE-related disorders.

Allele frequency attached by ClinVar (database versions not stated): ExAC 0.00001; gnomAD exomes 0.00001 and 0.00002; TOPMed 0.00006; gnomAD 0.00009.
gnomAD v4.1: 23 of 1,613,036 alleles (0.0014%); highest among the groups gnomAD compares: African/African-American, 0.027%; no homozygotes.

Submissions (2):

Labcorp Genetics (formerly Invitae), Labcorp
Classification: Likely benign. Last evaluated: 2025-12-10. Review status: criteria provided, single submitter. Criteria: Invitae Variant Classification Sherloc (09022015). Collection method: clinical testing. Allele origin: germline.

PreventionGenetics, part of Exact Sciences
Classification: Likely benign for POLE-related condition. Last evaluated: 2022-08-28. Review status: no assertion criteria provided. Collection method: clinical testing. Allele origin: germline. Not counted in ClinVar's aggregate classification.
Comment: This variant is classified as likely benign based on ACMG/AMP sequence variant interpretation guidelines (Richards et al. 2015 PMID: 25741868, with internal and published modifications).